The following is an entry in ClinVar:

NM_000245.4(MET):c.4008G>A (p.Arg1336=)

Gene: MET (MET proto-oncogene, receptor tyrosine kinase; plus strand). Cytogenetic location: 7q31.2.
Variant type: single nucleotide variant.
Coding change: c.4008G>A on transcript NM_000245.4 (MANE Select); coding-DNA position 4008, G replaced by A.
Protein change: p.Arg1336=; no amino-acid change (arginine 1336 retained).
Molecular consequence: synonymous variant.
Genome position (GRCh38, 1-based): chr7:116,795,959, G>A. VCF-style: chr7-116795959-G-A. GRCh37 (hg19) VCF-style: chr7-116436013-G-A.
Other names: c.4062G>A, p.Arg1354= (NM_001127500.3); c.2718G>A, p.Arg906= (NM_001324402.2); c.4062G>A (NM_001127500.2).
Identifiers: ClinVar variation 1117108 (VCV001117108.14), dbSNP rs373857586, ClinGen allele CA165451052.
Genomic context (GRCh38, chr7:116,795,959, plus strand): 5'-GCTAAAATGCTGGCACCCTAAAGCCGAAATGCGCCCATCCTTTTCTGAACTGGTGTCCCG[G>A]ATATCAGCGATCTTCTCTACTTTCATTGGGGAGCACTATGTCCATGTGAACGCTACTTAT-3'
Protein context (NP_000236.2, residues 1326-1346): MRPSFSELVS[Arg1336=]ISAIFSTFIG

ClinVar aggregate classification (germline): Benign/Likely benign. Review status: criteria provided, multiple submitters, no conflicts (2 of 4 stars). 4 submissions from 4 submitters: Benign (1); Likely benign (2). 1 of the submissions does not count toward it. Last evaluated 2025-07-23.

Conditions:
MET-related disorder. Also called: MET-related condition.
Hereditary cancer-predisposing syndrome. Also called: Hereditary neoplastic syndrome; Hereditary Cancer Syndrome; Neoplastic Syndromes, Hereditary; Tumor predisposition. Identifiers: Orphanet 140162, MedGen C0027672, MeSH D009386, MONDO:0015356.
Papillary renal cell carcinoma type 1 (RCCP1). Also called: RENAL CELL CARCINOMA, PAPILLARY, 1, SOMATIC; Renal adenocarcinoma; Renal cell carcinoma 1; Renal cell carcinoma, somatic. Identifiers: Orphanet 47044, MedGen C1336839, OMIM 605074, HP:0011797.
Renal cell carcinoma. Identifiers: Orphanet 217071, MedGen C0007134, MeSH D002292, MONDO:0005086, HP:0005584.

Allele frequency attached by ClinVar (database versions not stated): TOPMed below 0.00001; gnomAD 0.00001; ESP Exome Variant Server 0.00008.
gnomAD v4.1: 2 of 1,613,988 alleles (0.00012%); highest among the groups gnomAD compares: Non-Finnish European, 0.00017%; no homozygotes.

Submissions (4):

Labcorp Genetics (formerly Invitae), Labcorp
Classification: Likely benign for Renal cell carcinoma. Last evaluated: 2025-07-23. Review status: criteria provided, single submitter. Criteria: Invitae Variant Classification Sherloc (09022015). Collection method: clinical testing. Allele origin: germline.

Myriad Genetics, Inc.
Classification: Benign for Papillary renal cell carcinoma type 1. Last evaluated: 2024-11-15. Review status: criteria provided, single submitter. Criteria: Myriad Autosomal Dominant, Autosomal Recessive and X-Linked Classification Criteria (2023). Collection method: clinical testing. Allele origin: unknown.
Comment: This variant is considered benign. This variant is a silent/synonymous amino acid change and it is not expected to impact splicing.

Ambry Genetics
Classification: Likely benign for Hereditary cancer-predisposing syndrome. Last evaluated: 2020-07-16. Review status: criteria provided, single submitter. Criteria: Ambry Variant Classification Scheme 2023. Collection method: clinical testing. Allele origin: germline.

PreventionGenetics, part of Exact Sciences
Classification: Likely benign for MET-related condition. Last evaluated: 2023-05-15. Review status: no assertion criteria provided. Collection method: clinical testing. Allele origin: germline. Not counted in ClinVar's aggregate classification.
Comment: This variant is classified as likely benign based on ACMG/AMP sequence variant interpretation guidelines (Richards et al. 2015 PMID: 25741868, with internal and published modifications).